The following is an entry in ClinVar:

ClinVar aggregate classification (germline): Uncertain significance. Review status: reviewed by expert panel (3 of 4 stars). 4 submissions from 4 submitters: Uncertain significance (1). 3 of the submissions do not count toward it. Last evaluated 2023-11-13.

Conditions:
Hereditary thrombocytopenia and hematologic cancer predisposition syndrome. Identifiers: Orphanet 71290, MedGen CN281654, MONDO:0011071.
Hereditary thrombocytopenia and hematological cancer predisposition syndrome associated with RUNX1. Also called: PLATELET DISORDER, ASPIRIN-LIKE; Familial Platelet Disorder with Propensity to Acute Myelogenous Leukemia; Familial thrombocytopenia with propensity to acute myelogenous leukemia; RUNX1 Familial Platelet Disorder with Associated Myeloid Malignancies. Identifiers: Orphanet 71290, MedGen C1832388, MeSH C563324, MONDO:0100083, OMIM 601399.
Inborn genetic diseases. Identifiers: MedGen C0950123, MeSH D030342.

Allele frequency attached by ClinVar (database versions not stated): TOPMed 0.00001.
gnomAD v4.1: 6 of 1,606,910 alleles (0.00037%); highest among the groups gnomAD compares: Non-Finnish European, 0.00051%; no homozygotes.

Submissions (4):

ClinGen Myeloid Malignancy Variant Curation Expert Panel
Classification: Uncertain significance for Hereditary thrombocytopenia and hematologic cancer predisposition syndrome. Last evaluated: 2023-11-13. Review status: reviewed by expert panel. Criteria: ClinGen MyeloMalig ACMG Specifications v2. Collection method: curation. Allele origin: germline. Inheritance: Autosomal dominant inheritance.
Comment: NM_001754.5(RUNX1):c.205G>A (p.Gly69Ser) is a missense variant. The highest population minor allele frequency in gnomAD v3.1.2 is 0.0.00001470 (1/68046 alleles) in European (non-Finnish) population (PM2_Supporting, BS1, and BA1 not met). This missense variant has a REVEL score < 0.50 (0.439) and SpliceAI score is <= 0.20 (0) (BP4). In summary, the clinical significance of this variant is uncertain. ACMG/AMP criteria applied, as specified by the Myeloid Malignancy Variant Curation Expert Panel for RUNX1: BP4.

Ambry Genetics
Classification: Uncertain significance for Inborn genetic diseases. Last evaluated: 2025-01-17. Review status: criteria provided, single submitter. Criteria: Ambry Variant Classification Scheme 2023. Collection method: clinical testing. Allele origin: germline. Not counted in ClinVar's aggregate classification.
Comment: The p.G69S variant (also known as c.205G>A), located in coding exon 3 of the RUNX1 gene, results from a G to A substitution at nucleotide position 205. The glycine at codon 69 is replaced by serine, an amino acid with similar properties. This amino acid position is well conserved in available vertebrate species. In addition, the in silico prediction for this alteration is inconclusive. Based on the available evidence, the clinical significance of this variant remains unclear.

Labcorp Genetics (formerly Invitae), Labcorp
Classification: Uncertain significance for Hereditary thrombocytopenia and hematological cancer predisposition syndrome associated with RUNX1. Last evaluated: 2024-07-18. Review status: criteria provided, single submitter. Criteria: Invitae Variant Classification Sherloc (09022015). Collection method: clinical testing. Allele origin: germline. Not counted in ClinVar's aggregate classification.
Comment: This sequence change replaces glycine, which is neutral and non-polar, with serine, which is neutral and polar, at codon 69 of the RUNX1 protein (p.Gly69Ser). This variant is not present in population databases (gnomAD no frequency). This variant has not been reported in the literature in individuals affected with RUNX1-related conditions. ClinVar contains an entry for this variant (Variation ID: 948058). An algorithm developed to predict the effect of missense changes on protein structure and function outputs the following: PolyPhen-2: "Benign". The serine amino acid residue is found in multiple mammalian species, which suggests that this missense change does not adversely affect protein function. In summary, the available evidence is currently insufficient to determine the role of this variant in disease. Therefore, it has been classified as a Variant of Uncertain Significance.

GeneDx
Classification: Uncertain significance. Last evaluated: 2022-04-19. Review status: criteria provided, single submitter. Criteria: GeneDx Variant Classification Process June 2021. Collection method: clinical testing. Allele origin: germline. Affected: yes. Not counted in ClinVar's aggregate classification.
Comment: Not observed at significant frequency in large population cohorts (gnomAD); In silico analysis supports that this missense variant has a deleterious effect on protein structure/function; Has not been previously published as pathogenic or benign to our knowledge

NM_001754.5(RUNX1):c.205G>A (p.Gly69Ser)

Gene: RUNX1 (RUNX family transcription factor 1; minus strand). Cytogenetic location: 21q22.12.
Variant type: single nucleotide variant.
Coding change: c.205G>A on transcript NM_001754.5 (MANE Select); coding-DNA position 205, G replaced by A.
Protein change: p.Gly69Ser; replaces glycine 69 with serine.
Molecular consequence: missense variant.
Genome position (GRCh38, 1-based): chr21:34,886,989, C>T on the plus strand (G>A on the coding strand, the complement: RUNX1 is on the minus strand). VCF-style: chr21-34886989-C-T. GRCh37 (hg19) VCF-style: chr21-36259286-C-T.
Other names: NM_001754.5(RUNX1):c.205G>A; p.Gly69Ser; c.124G>A, p.Gly42Ser (NM_001001890.3, NM_001122607.2); short protein forms G69S, G42S.
Identifiers: ClinVar variation 948058 (VCV000948058.11), dbSNP rs777168865, ClinGen allele CA320642805.